The following is an entry in ClinVar:

NM_006648.4(WNK2):c.3289C>T (p.Pro1097Ser)

Gene: WNK2 (WNK lysine deficient protein kinase 2; plus strand). Cytogenetic location: 9q22.31.
Variant type: single nucleotide variant.
Coding change: c.3289C>T on transcript NM_006648.4 (MANE Select); coding-DNA position 3289, C replaced by T.
Protein change: p.Pro1097Ser; replaces proline 1097 with serine.
Molecular consequence: missense variant.
Genome position (GRCh38, 1-based): chr9:93,262,036, C>T. VCF-style: chr9-93262036-C-T. GRCh37 (hg19) VCF-style: chr9-96024318-C-T.
Other names: c.3289C>T, p.Pro1097Ser (NM_001282394.3); short protein forms P1097S.
Identifiers: ClinVar variation 2210238 (VCV002210238.3), dbSNP rs151176657, ClinGen allele CA5129898.

ClinVar aggregate classification (germline): Uncertain significance (1 of 4 stars; one submission).

Allele frequency attached by ClinVar (database versions not stated): ExAC 0.00005; TOPMed 0.00020; ESP Exome Variant Server 0.00023; gnomAD 0.00025.
gnomAD v4.1: 65 of 1,610,784 alleles (0.004%); highest among the groups gnomAD compares: African/African-American, 0.083%; no homozygotes.

Submission:

Ambry Genetics
Classification: Uncertain significance. Last evaluated: 2024-11-20. Review status: criteria provided, single submitter. Criteria: Ambry Variant Classification Scheme 2023. Collection method: clinical testing. Allele origin: germline.
Comment: The p.P1097S variant (also known as c.3289C>T), located in coding exon 12 of the WNK2 gene, results from a C to T substitution at nucleotide position 3289. The proline at codon 1097 is replaced by serine, an amino acid with similar properties. This amino acid position is conserved. In addition, this alteration is predicted to be tolerated by in silico analysis. Based on the available evidence, the clinical significance of this variant remains unclear.